The following is an entry in ClinVar:

ClinVar aggregate classification (germline): Uncertain significance. Review status: criteria provided, multiple submitters, no conflicts (2 of 4 stars). 2 submissions from 2 submitters: Uncertain significance (2). Last evaluated 2026-01-05.

Conditions:
Inborn genetic diseases. Identifiers: MedGen C0950123, MeSH D030342.

gnomAD v4.1: 2 of 1,614,038 alleles (0.00012%); highest among the groups gnomAD compares: Non-Finnish European, 0.00017%; no homozygotes.

Submissions (2):

Ambry Genetics
Classification: Uncertain significance for Inborn genetic diseases. Last evaluated: 2026-01-05. Review status: criteria provided, single submitter. Criteria: Ambry Variant Classification Scheme 2023. Collection method: clinical testing. Allele origin: germline.
Comment: The c.1065C>G (p.I355M) alteration is located in exon 8 (coding exon 7) of the WFS1 gene. This alteration results from a C to G substitution at nucleotide position 1065, causing the isoleucine (I) at amino acid position 355 to be replaced by a methionine (M). Based on data from gnomAD, the G allele has an overall frequency of <0.001% (1/251430) total alleles studied. The highest observed frequency was 0.001% (1/113722) of European (non-Finnish) alleles. Based on insufficient or conflicting evidence, the clinical significance of this alteration remains unclear.

Labcorp Genetics (formerly Invitae), Labcorp
Classification: Uncertain significance. Last evaluated: 2024-06-04. Review status: criteria provided, single submitter. Criteria: Invitae Variant Classification Sherloc (09022015). Collection method: clinical testing. Allele origin: germline.
Comment: This sequence change replaces isoleucine, which is neutral and non-polar, with methionine, which is neutral and non-polar, at codon 355 of the WFS1 protein (p.Ile355Met). This variant is present in population databases (no rsID available, gnomAD 0.0009%). This variant has not been reported in the literature in individuals affected with WFS1-related conditions. Advanced modeling of protein sequence and biophysical properties (such as structural, functional, and spatial information, amino acid conservation, physicochemical variation, residue mobility, and thermodynamic stability) performed at Invitae indicates that this missense variant is not expected to disrupt WFS1 protein function with a negative predictive value of 95%. In summary, the available evidence is currently insufficient to determine the role of this variant in disease. Therefore, it has been classified as a Variant of Uncertain Significance.

NM_006005.3(WFS1):c.1065C>G (p.Ile355Met)

Gene: WFS1 (wolframin ER transmembrane glycoprotein; plus strand). Cytogenetic location: 4p16.1.
Variant type: single nucleotide variant.
Coding change: c.1065C>G on transcript NM_006005.3 (MANE Select); coding-DNA position 1065, C replaced by G.
Protein change: p.Ile355Met; replaces isoleucine 355 with methionine.
Molecular consequence: missense variant.
Genome position (GRCh38, 1-based): chr4:6,300,860, C>G. VCF-style: chr4-6300860-C-G. GRCh37 (hg19) VCF-style: chr4-6302587-C-G.
Other names: c.1065C>G, p.Ile355Met (NM_001145853.1); short protein forms I355M.
Identifiers: ClinVar variation 3627041 (VCV003627041.3).